The following is an entry in ClinVar:

ClinVar aggregate classification (germline): Pathogenic (1 of 4 stars; one submission).

Conditions:
CHARGE syndrome (CHARGE). Also called: Hittner Hirsch Kreh syndrome; Coloboma, heart anomaly, choanal atresia, retardation, genital and ear anomalies; CHARGE association; Hall-Hittner syndrome; CHARGE ASSOCIATION--COLOBOMA, HEART ANOMALY, CHOANAL ATRESIA, RETARDATION, GENITAL AND EAR ANOMALIES. Identifiers: Orphanet 138, MedGen C0265354, MONDO:0008965.

Submission:

Labcorp Genetics (formerly Invitae), Labcorp
Classification: Pathogenic for CHARGE syndrome. Last evaluated: 2018-01-02. Review status: criteria provided, single submitter. Criteria: Invitae Variant Classification Sherloc (09022015). Collection method: clinical testing. Allele origin: germline.
Comment: For these reasons, this variant has been classified as Pathogenic. Loss-of-function variants in CHD7 are known to be pathogenic (PMID: 22461308, 25077900). This variant has not been reported in the literature in individuals with CHD7-related disease. This variant is not present in population databases (ExAC no frequency). This sequence change creates a premature translational stop signal (p.Gly818Argfs*3) in the CHD7 gene. It is expected to result in an absent or disrupted protein product.

Literature cited by the submitters: PubMed 22461308; PubMed 25077900.

NM_017780.4(CHD7):c.2452_2462del (p.Gly818fs)

Gene: CHD7 (chromodomain helicase DNA binding protein 7; plus strand). Cytogenetic location: 8q12.2.
Variant type: Deletion.
Coding change: c.2452_2462del on transcript NM_017780.4 (MANE Select); coding-DNA positions 2452 to 2462, 11 bases deleted (GGAGAGGAGGT).
Protein change: p.Gly818fs; shifts the reading frame from glycine 818.
Molecular consequence: frameshift variant. On other transcripts: intron variant (1).
Genome position (GRCh38, 1-based): chr8:60,808,226-60,808,236, GGAGAGGAGGT deleted; deleting any 11 consecutive bases within chr8:60,808,225-60,808,236 gives the same sequence; the c. name uses the placement nearest the transcript's 3' end. VCF-style (leftmost placement, unchanged base first): chr8-60808224-CTGGAGAGGAGG-C. GRCh37 (hg19) VCF-style: chr8-61720783-CTGGAGAGGAGG-C.
Other names: c.1716+27176_1716+27186del (NM_001316690.1); short protein forms G818fs.
Identifiers: ClinVar variation 575329 (VCV000575329.6), dbSNP rs1563618176, ClinGen allele CA891843171.